The following is an entry in ClinVar:

NM_024298.5(MBOAT7):c.1133G>A (p.Arg378Gln)

Gene: MBOAT7 (membrane bound acylglycerophosphatidylinositol O-acyltransferase MBOAT7; minus strand). Cytogenetic location: 19q13.42.
Variant type: single nucleotide variant.
Coding change: c.1133G>A on transcript NM_024298.5 (MANE Select); coding-DNA position 1133, G replaced by A.
Protein change: p.Arg378Gln; replaces arginine 378 with glutamine.
Molecular consequence: missense variant.
Genome position (GRCh38, 1-based): chr19:54,174,330, C>T on the plus strand (G>A on the coding strand, the complement: MBOAT7 is on the minus strand). VCF-style: chr19-54174330-C-T. GRCh37 (hg19) VCF-style: chr19-54678024-C-T.
Other names: c.914G>A, p.Arg305Gln (NM_001146056.3, NM_001146083.3); c.1133G>A (NM_024298.4); short protein forms R378Q, R305Q.
Identifiers: ClinVar variation 2345401 (VCV002345401.5), dbSNP rs201012145, ClinGen allele CA309345274.

ClinVar aggregate classification (germline): Conflicting classifications of pathogenicity. Review status: criteria provided, conflicting classifications (1 of 4 stars). 3 submissions from 3 submitters: Uncertain significance (1); Likely benign (2). Last evaluated 2025-04-23.

Conditions:
Inborn genetic diseases. Identifiers: MedGen C0950123, MeSH D030342.

Allele frequency attached by ClinVar (database versions not stated): ESP Exome Variant Server 0.00015; 1000 Genomes Project 30x 0.00016; 1000 Genomes Project 0.00020; ExAC 0.00027.
gnomAD v4.1: 153 of 1,613,114 alleles (0.0095%); highest among the groups gnomAD compares: Admixed American, 0.063%; no homozygotes.

Submissions (3):

GeneDx
Classification: Uncertain significance. Last evaluated: 2025-04-23. Review status: criteria provided, single submitter. Criteria: GeneDx Variant Classification Process June 2021. Collection method: clinical testing. Allele origin: germline. Affected: yes.
Comment: In silico analysis indicates that this missense variant does not alter protein structure/function; Has not been previously published as pathogenic or benign to our knowledge

Ambry Genetics
Classification: Likely benign for Inborn genetic diseases. Last evaluated: 2024-10-07. Review status: criteria provided, single submitter. Criteria: Ambry Variant Classification Scheme 2023. Collection method: clinical testing. Allele origin: germline.

Blueprint Genetics
Classification: Likely benign. Last evaluated: 2023-07-13. Review status: criteria provided, single submitter. Criteria: ACMG Guidelines, 2015. Collection method: clinical testing. Allele origin: germline.

Literature cited by the submitters: PubMed 36413997 (cited by Ambry Genetics).